The following is an entry in ClinVar:

NM_000043.6(FAS):c.667A>C (p.Asn223His)

Gene: FAS (Fas cell surface death receptor; plus strand). Cytogenetic location: 10q23.31.
Variant type: single nucleotide variant.
Coding change: c.667A>C on transcript NM_000043.6 (MANE Select); coding-DNA position 667, A replaced by C.
Protein change: p.Asn223His; replaces asparagine 223 with histidine.
Molecular consequence: missense variant. On other transcripts: non-coding transcript variant (7), intron variant (1).
Genome position (GRCh38, 1-based): chr10:89,013,358, A>C. VCF-style: chr10-89013358-A-C. GRCh37 (hg19) VCF-style: chr10-90773115-A-C.
Other names: c.584A>C, p.Lys195Thr (NM_001320619.2); c.604A>C, p.Asn202His (NM_152871.4); c.652-761A>C (NM_152872.4); short protein forms N223H, K195T, N202H.
Identifiers: ClinVar variation 570775 (VCV000570775.16), dbSNP rs143318339, ClinGen allele CA5593193.

ClinVar aggregate classification (germline): Conflicting classifications of pathogenicity. Review status: criteria provided, conflicting classifications (1 of 4 stars). 3 submissions from 3 submitters: Uncertain significance (1); Likely benign (1). 1 of the submissions does not count toward it. Last evaluated 2026-01-26.

Conditions:
Autoimmune lymphoproliferative syndrome type 1. Also called: AUTOIMMUNE LYMPHOPROLIFERATIVE SYNDROME, TYPE I, AUTOSOMAL DOMINANT. Identifiers: Orphanet 3261, MedGen C2717884, MONDO:0011158, OMIM 601859.
Hepatoblastoma. Identifiers: Orphanet 449, MedGen C0206624, MONDO:0018666, HP:0002884.

Allele frequency attached by ClinVar (database versions not stated): TOPMed 0.00003; gnomAD 0.00005; ExAC 0.00008; gnomAD exomes 0.00009 and 0.00021; 1000 Genomes Project 30x 0.00016; 1000 Genomes Project 0.00020; ESP Exome Variant Server 0.00031.
gnomAD v4.1: 311 of 1,612,028 alleles (0.019%); highest among the groups gnomAD compares: Non-Finnish European, 0.024%; no homozygotes.

Submissions (3):

Labcorp Genetics (formerly Invitae), Labcorp
Classification: Uncertain significance for Autoimmune lymphoproliferative syndrome. Last evaluated: 2026-01-26. Review status: criteria provided, single submitter. Criteria: Invitae Variant Classification Sherloc (09022015). Collection method: clinical testing. Allele origin: germline.
Comment: This sequence change replaces asparagine, which is neutral and polar, with histidine, which is basic and polar, at codon 223 of the FAS protein (p.Asn223His). This variant is present in population databases (rs143318339, gnomAD 0.02%). This variant has not been reported in the literature in individuals affected with FAS-related conditions. ClinVar contains an entry for this variant (Variation ID: 570775). Invitae Evidence Modeling of protein sequence and biophysical properties (such as structural, functional, and spatial information, amino acid conservation, physicochemical variation, residue mobility, and thermodynamic stability) has been performed for this missense variant. However, the output from this modeling did not meet the statistical confidence thresholds required to predict the impact of this variant on FAS protein function. In summary, the available evidence is currently insufficient to determine the role of this variant in disease. Therefore, it has been classified as a Variant of Uncertain Significance.

CeGaT Center for Human Genetics Tuebingen
Classification: Likely benign. Last evaluated: 2025-10-01. Review status: criteria provided, single submitter. Criteria: CeGaT Center For Human Genetics Tuebingen Variant Classification Criteria Version 2. Collection method: clinical testing. Allele origin: germline. Affected: yes. Observed: 1 variant allele.
Comment: FAS: BS2

Molecular Oncology -  Human Genetics Lab, University of Sao Paulo
Classification: Uncertain significance for Hepatoblastoma. Review status: no assertion criteria provided. Collection method: research. Allele origin: germline. Affected: yes. Not counted in ClinVar's aggregate classification.